The following is an entry in ClinVar:

NM_000532.5(PCCB):c.966+1061_966+6246delinsA

Gene: PCCB (propionyl-CoA carboxylase subunit beta; plus strand). Cytogenetic location: 3q22.3.
Variant type: Indel.
Coding change: c.966+1061_966+6246delinsA on transcript NM_000532.5 (MANE Select); bases 1061 to 6246 of the intron after coding-DNA position 966, the reference bases replaced by A.
Molecular consequence: intron variant.
Genome position (GRCh38, 1-based): chr3:136,302,172-136,307,357, 5,186 bases replaced. GRCh37 (hg19): chr3:136,021,014-136,026,199.
Other names: c.1026+1061_1026+6246delinsA (NM_001178014.2).
Identifiers: ClinVar variation 5021117 (VCV005021117.1).

ClinVar aggregate classification (germline): Benign (1 of 4 stars; one submission).

Conditions:
Propionic acidemia (PROP). Also called: GLYCINEMIA, KETOTIC; HYPERGLYCINEMIA WITH KETOACIDOSIS AND LEUKOPENIA; KETOTIC HYPERGLYCINEMIA. Identifiers: Orphanet 35, MedGen C0268579, MONDO:0011628, OMIM 606054, HP:0003571.

Submission:

Lupski Lab, Baylor-Hopkins CMG, Baylor College of Medicine
Classification: Benign for Propionic acidemia. Last evaluated: 2026-10-16. Review status: criteria provided, single submitter. Criteria: ACMG Guidelines, 2015. Collection method: research. Allele origin: germline. Affected: no. Observed: 1 variant allele, 1 heterozygote.
Comment: Long-read genome sequencing resolved this allele as a deletion-insertion in which 5,186 bp of intron 9 (chr3:136,302,172–136,307,357, GRCh38) are replaced by a single A; equivalently, a 5,185 bp deletion with a G>A change at the first nucleotide after the breakpoint, present on the same allele. The inserted A was present on all deletion-bearing reads in this family and in long-read control samples, and the two events may be called as separate variants by short-read sequencing. This is a common structural variant (MAF ~37% globally and ~52% in South Asian populations, gnomAD). Kurolap et al. (2023; PMID: 37776842) reported the same deletion (chr3:136,021,014–136,026,199, GRCh37) in trans with the pathogenic deep intronic PCCB variant c.966+1334A>G in two unrelated families, where it caused apparent homozygosity in unaffected parents on short-read sequencing; RT-PCR and Sanger sequencing confirmed normal, correctly spliced PCCB mRNA from the deletion-containing allele. In our family, whole-blood RNA sequencing similarly demonstrated canonical splicing with no aberrant transcript from the deletion allele. Based on its high population frequency, normal splicing in two independent functional assessments, and observation in trans with a pathogenic variant in an unaffected individual, this variant is classified as Benign (BA1, BS3, BP2).